The following is an entry in ClinVar:

NM_000235.4(LIPA):c.221C>T (p.Ser74Phe)

Gene: LIPA (lipase A, lysosomal acid type; minus strand). Cytogenetic location: 10q23.31.
Variant type: single nucleotide variant.
Coding change: c.221C>T on transcript NM_000235.4 (MANE Select); coding-DNA position 221, C replaced by T.
Protein change: p.Ser74Phe; replaces serine 74 with phenylalanine.
Molecular consequence: missense variant. On other transcripts: intron variant (1).
Genome position (GRCh38, 1-based): chr10:89,245,684, G>A on the plus strand (C>T on the coding strand, the complement: LIPA is on the minus strand). VCF-style: chr10-89245684-G-A. GRCh37 (hg19) VCF-style: chr10-91005441-G-A.
Other names: c.221C>T, p.Ser74Phe (NM_001127605.3); c.-120+6053C>T (NM_001288979.2); short protein forms S74F.
Identifiers: ClinVar variation 3384862 (VCV003384862.1).
Genomic context (GRCh38, chr10:89,245,684, plus strand): 5'-AACACAAAACCCAGAAGAATTCTGGTTTTTACTTTTAAGAGCCTTCCCATACCTTTGTCA[G>A]AATGGTTCTTCCTCCCATGAGGAATTCGGTTAAGGCACAGAATATATCCATCTTCTGTCT-3'
Protein context (NP_000226.2, residues 64-84): NRIPHGRKNH[Ser74Phe]DKGPKPVVFL

ClinVar aggregate classification (germline): Uncertain significance (1 of 4 stars; one submission).

gnomAD v4.1: 4 of 1,554,124 alleles (0.00026%); highest among the groups gnomAD compares: Middle Eastern, 0.052%; no homozygotes.

Submission:

Women's Health and Genetics/Laboratory Corporation of America, LabCorp
Classification: Uncertain significance. Last evaluated: 2024-10-08. Review status: criteria provided, single submitter. Criteria: LabCorp Variant Classification Summary - May 2015. Collection method: clinical testing. Allele origin: germline.
Comment: Variant summary: LIPA c.221C>T (p.Ser74Phe) results in a non-conservative amino acid change in the encoded protein sequence. Four of five in-silico tools predict a benign effect of the variant on protein function. The variant was absent in 251340 control chromosomes. The available data on variant occurrences in the general population are insufficient to allow any conclusion about variant significance. c.221C>T has been reported in the literature in an individual affected with Wolman disease/Cholesteryl ester storage disease but no detailed clinical information was available (Almeida_2022). These report(s) do not provide unequivocal conclusions about association of the variant with Lysosomal Acid Lipase Deficiency. To our knowledge, no experimental evidence demonstrating an impact on protein function has been reported. The following publication have been ascertained in the context of this evaluation (PMID: 35614200). No submitters have cited clinical-significance assessments for this variant to ClinVar. Based on the evidence outlined above, the variant was classified as uncertain significance.

Literature cited by the submitters: PubMed 35614200.